The following is an entry in ClinVar:

NM_018975.4(TERF2IP):c.743A>C (p.Glu248Ala)

Gene: TERF2IP (TERF2 interacting protein; plus strand). Cytogenetic location: 16q23.1.
Variant type: single nucleotide variant.
Coding change: c.743A>C on transcript NM_018975.4 (MANE Select); coding-DNA position 743, A replaced by C.
Protein change: p.Glu248Ala; replaces glutamic acid 248 with alanine.
Molecular consequence: missense variant. On other transcripts: non-coding transcript variant (1).
Genome position (GRCh38, 1-based): chr16:75,654,345, A>C. VCF-style: chr16-75654345-A-C. GRCh37 (hg19) VCF-style: chr16-75688243-A-C.
Other names: short protein forms E248A.
Identifiers: ClinVar variation 3455103 (VCV003455103.1).

ClinVar aggregate classification (germline): Uncertain significance (1 of 4 stars; one submission).

Submission:

Ambry Genetics
Classification: Uncertain significance. Last evaluated: 2024-06-29. Review status: criteria provided, single submitter. Criteria: Ambry Variant Classification Scheme 2023. Collection method: clinical testing. Allele origin: germline.
Comment: The p.E248A variant (also known as c.743A>C), located in coding exon 2 of the TERF2IP gene, results from an A to C substitution at nucleotide position 743. The glutamic acid at codon 248 is replaced by alanine, an amino acid with dissimilar properties. This amino acid position is conserved. In addition, this alteration is predicted to be tolerated by in silico analysis. Based on the available evidence, the clinical significance of this variant remains unclear.